The following is an entry in ClinVar:

NM_001365999.1(SZT2):c.7060C>A (p.Arg2354=)

Gene: SZT2 (SZT2 subunit of KICSTOR complex; plus strand). Cytogenetic location: 1p34.2.
Variant type: single nucleotide variant.
Coding change: c.7060C>A on transcript NM_001365999.1 (MANE Select); coding-DNA position 7060, C replaced by A.
Protein change: p.Arg2354=; no amino-acid change (arginine 2354 retained).
Molecular consequence: synonymous variant.
Genome position (GRCh38, 1-based): chr1:43,439,898, C>A. VCF-style: chr1-43439898-C-A. GRCh37 (hg19) VCF-style: chr1-43905569-C-A.
Other names: c.6889C>A, p.Arg2297= (NM_015284.4).
Identifiers: ClinVar variation 696972 (VCV000696972.10), dbSNP rs141135758, ClinGen allele CA810104.

ClinVar aggregate classification (germline): Likely benign. Review status: criteria provided, single submitter (1 of 4 stars). 2 submissions from 2 submitters: Likely benign (1). 1 of the submissions does not count toward it. Last evaluated 2026-01-19.

Conditions:
SZT2-related disorder. Also called: SZT2-related condition.

Allele frequency attached by ClinVar (database versions not stated): TOPMed 0.00006; ESP Exome Variant Server 0.00008; gnomAD 0.00012; 1000 Genomes Project 30x 0.00016.
gnomAD v4.1: 30 of 1,599,826 alleles (0.0019%); highest among the groups gnomAD compares: African/African-American, 0.037%; no homozygotes.

Submissions (2):

Labcorp Genetics (formerly Invitae), Labcorp
Classification: Likely benign. Last evaluated: 2026-01-19. Review status: criteria provided, single submitter. Criteria: Invitae Variant Classification Sherloc (09022015). Collection method: clinical testing. Allele origin: germline.

PreventionGenetics, part of Exact Sciences
Classification: Likely benign for SZT2-related condition. Last evaluated: 2024-03-14. Review status: no assertion criteria provided. Collection method: clinical testing. Allele origin: germline. Not counted in ClinVar's aggregate classification.
Comment: This variant is classified as likely benign based on ACMG/AMP sequence variant interpretation guidelines (Richards et al. 2015 PMID: 25741868, with internal and published modifications).